The following is an entry in ClinVar:

NM_005476.7(GNE):c.1532_1533delinsAA (p.Pro511Gln)

Gene: GNE (glucosamine (UDP-N-acetyl)-2-epimerase/N-acetylmannosamine kinase; minus strand). Cytogenetic location: 9p13.3.
Variant type: Indel.
Coding change: c.1532_1533delinsAA on transcript NM_005476.7 (MANE Select); coding-DNA positions 1532 to 1533, CT replaced by AA.
Protein change: p.Pro511Gln; replaces proline 511 with glutamine.
Molecular consequence: missense variant. On other transcripts: intron variant (1).
Genome position (GRCh38, 1-based): chr9:36,222,877-36,222,878, AG replaced by TT on the plus strand (CT replaced by AA on the coding strand, the reverse complement: GNE is on the minus strand). VCF-style: chr9-36222877-AG-TT. GRCh37 (hg19) VCF-style: chr9-36222874-AG-TT.
Other names: c.1625_1626delinsAA, p.Pro542Gln (NM_001128227.3); c.1202_1203delinsAA, p.Pro401Gln (NM_001190384.3); c.1355_1356delinsAA, p.Pro452Gln (NM_001190388.2, NM_001374798.1); c.1379_1380delinsAA, p.Pro460Gln (NM_001374797.1); c.1411+495_1411+496delinsAA (NM_001190383.3); short protein forms P401Q, P452Q, P460Q, P511Q, P542Q.
Identifiers: ClinVar variation 1011284 (VCV001011284.7), dbSNP rs1828666773, ClinGen allele CA1846333458.

ClinVar aggregate classification (germline): Uncertain significance (1 of 4 stars; one submission).

Conditions:
GNE myopathy (NM). Also called: NONAKA DISTAL MYOPATHY; MYOPATHY, DISTAL, WITH OR WITHOUT RIMMED VACUOLES; INCLUSION BODY MYOPATHY, HEREDITARY, AUTOSOMAL RECESSIVE; IBM 2; Inclusion body myopathy autosomal recessive; Inclusion body myopathy quadriceps sparing. Identifiers: Orphanet 602, MedGen C1853926, MONDO:0011603, OMIM 605820.
Sialuria. Also called: SIALURIA, FRENCH TYPE; Sialic Acid Storage Disease. Identifiers: Orphanet 3166, MedGen C0342853, MONDO:0010028, OMIM 269921.

Submission:

Labcorp Genetics (formerly Invitae), Labcorp
Classification: Uncertain significance for Sialuria; GNE myopathy. Last evaluated: 2020-07-24. Review status: criteria provided, single submitter. Criteria: Invitae Variant Classification Sherloc (09022015). Collection method: clinical testing. Allele origin: germline.
Comment: In summary, the available evidence is currently insufficient to determine the role of this variant in disease. Therefore, it has been classified as a Variant of Uncertain Significance. This variant disrupts the p.Pro542 amino acid residue in GNE. Other variant(s) that disrupt this residue have been determined to be pathogenic (Invitae). This suggests that this residue is clinically significant, and that variants that disrupt this residue are likely to be disease-causing. Algorithms developed to predict the effect of sequence changes on RNA splicing suggest that this variant may create or strengthen a splice site, but this prediction has not been confirmed by published transcriptional studies. Algorithms developed to predict the effect of missense changes on protein structure and function are either unavailable or do not agree on the potential impact of this missense change (SIFT: "Not Available"; PolyPhen-2: "Probably Damaging"; Align-GVGD: "Not Available"). This variant has not been reported in the literature in individuals with GNE-related conditions. The frequency data for this variant in the population databases is not available, as this variant may be reported as separate entries in the ExAC database. This sequence change replaces proline with glutamine at codon 542 of the GNE protein (p.Pro542Gln). The proline residue is highly conserved and there is a moderate physicochemical difference between proline and glutamine.